The following is an entry in ClinVar:

ClinVar aggregate classification (germline): Uncertain significance (1 of 4 stars; one submission).

Conditions:
Nemaline myopathy 6 (NEM6). Also called: Nemaline myopathy 6, autosomal dominant. Identifiers: Orphanet 171439, MedGen C1836472, MONDO:0012237, OMIM 609273.

Allele frequency attached by ClinVar (database versions not stated): gnomAD exomes below 0.00001; TOPMed below 0.00001.

Submission:

Labcorp Genetics (formerly Invitae), Labcorp
Classification: Uncertain significance for Nemaline myopathy 6. Last evaluated: 2023-05-22. Review status: criteria provided, single submitter. Criteria: Invitae Variant Classification Sherloc (09022015). Collection method: clinical testing. Allele origin: germline.
Comment: This sequence change replaces glutamic acid, which is acidic and polar, with aspartic acid, which is acidic and polar, at codon 135 of the KBTBD13 protein (p.Glu135Asp). In summary, the available evidence is currently insufficient to determine the role of this variant in disease. Therefore, it has been classified as a Variant of Uncertain Significance. Advanced modeling of protein sequence and biophysical properties (such as structural, functional, and spatial information, amino acid conservation, physicochemical variation, residue mobility, and thermodynamic stability) performed at Invitae indicates that this missense variant is not expected to disrupt KBTBD13 protein function. ClinVar contains an entry for this variant (Variation ID: 1436078). This variant has not been reported in the literature in individuals affected with KBTBD13-related conditions. This variant is not present in population databases (gnomAD no frequency).

NM_001101362.3(KBTBD13):c.405G>C (p.Glu135Asp)

Gene: KBTBD13 (kelch repeat and BTB domain containing 13; plus strand). Cytogenetic location: 15q22.31.
Variant type: single nucleotide variant.
Coding change: c.405G>C on transcript NM_001101362.3 (MANE Select); coding-DNA position 405, G replaced by C.
Protein change: p.Glu135Asp; replaces glutamic acid 135 with aspartic acid.
Molecular consequence: missense variant.
Genome position (GRCh38, 1-based): chr15:65,077,220, G>C. VCF-style: chr15-65077220-G-C. GRCh37 (hg19) VCF-style: chr15-65369558-G-C.
Other names: short protein forms E135D.
Identifiers: ClinVar variation 1436078 (VCV001436078.8), dbSNP rs2086986320, ClinGen allele CA392860536.